The following is an entry in ClinVar:

NM_001145308.5(LRTOMT):c.208C>T (p.Arg70Ter)

Genes: LRTOMT (leucine rich transmembrane and O-methyltransferase domain containing; plus strand), TOMT (transmembrane O-methyltransferase; plus strand). Cytogenetic location: 11q13.4.
Variant type: single nucleotide variant.
Coding change: c.208C>T on transcript NM_001145308.5; coding-DNA position 208, C replaced by T.
Protein change: p.Arg70Ter; replaces arginine 70 with a stop codon.
Molecular consequence: nonsense.
Genome position (GRCh38, 1-based): chr11:72,106,060, C>T. VCF-style: chr11-72106060-C-T. GRCh37 (hg19) VCF-style: chr11-71817106-C-T.
Other names: c.208C>T, p.Arg70Ter (NM_001145309.4); c.88C>T, p.Arg30Ter (NM_001145310.4); c.109C>T, p.Arg37Ter (NM_001393500.2); c.208C>T (NM_001145309.3); short protein forms R30*, R37*, R70*.
Identifiers: ClinVar variation 3360195 (VCV003360195.6).

ClinVar aggregate classification (germline): Pathogenic/Likely pathogenic. Review status: criteria provided, multiple submitters, no conflicts (2 of 4 stars). 4 submissions from 4 submitters: Pathogenic (3); Likely pathogenic (1). Last evaluated 2026-09-15.

Conditions:
Autosomal recessive nonsyndromic hearing loss 63. Identifiers: Orphanet 90636, MedGen C1969621, MONDO:0012670, OMIM 611451.
LRTOMT-related disorder. Also called: LRTOMT-related condition.

gnomAD v4.1: 29 of 1,550,842 alleles (0.0019%); highest among the groups gnomAD compares: South Asian, 0.0048%; no homozygotes.

Submissions (4):

PreventionGenetics, part of Exact Sciences
Classification: Likely pathogenic for LRTOMT-related condition. Last evaluated: 2026-09-15. Review status: criteria provided, single submitter. Criteria: ACMG Guidelines, 2015. Collection method: clinical testing. Allele origin: germline.
Comment: The LRTOMT c.208C>T variant is predicted to result in premature protein termination (p.Arg70*). This variant observed in homozygous state two unrelated consanguineous families affected by non-syndromic hearing loss (family DF22, Table 3, Riahi et al. 2014. PubMed ID: 24926664; family GCNF10, Figure 1A, Noman et al. 2019. PubMed ID: 31835641). This variant is not reported in a population database gnomAD. Nonsense variants in LRTOMT are expected to be pathogenic. This variant is interpreted as likely pathogenic.

GeneDx
Classification: Pathogenic. Last evaluated: 2025-06-12. Review status: criteria provided, single submitter. Criteria: GeneDx Variant Classification Process June 2021. Collection method: clinical testing. Allele origin: germline.
Comment: Not observed at significant frequency in large population cohorts (gnomAD); Nonsense variant predicted to result in protein truncation or nonsense mediated decay in a gene for which loss of function is a known mechanism of disease; This variant is associated with the following publications: (PMID: 30055715, 31835641, 24926664)

Labcorp Genetics (formerly Invitae), Labcorp
Classification: Pathogenic. Last evaluated: 2024-05-22. Review status: criteria provided, single submitter. Criteria: Invitae Variant Classification Sherloc (09022015). Collection method: clinical testing. Allele origin: germline.
Comment: This sequence change creates a premature translational stop signal (p.Arg70*) in the LRTOMT gene. It is expected to result in an absent or disrupted protein product. Loss-of-function variants in LRTOMT are known to be pathogenic (PMID: 18953341, 23053991). This variant is not present in population databases (gnomAD no frequency). This premature translational stop signal has been observed in individual(s) with deafness (PMID: 24926664). For these reasons, this variant has been classified as Pathogenic.

Juno Genomics, Hangzhou Juno Genomics, Inc
Classification: Pathogenic for Autosomal recessive nonsyndromic hearing loss 63. Review status: criteria provided, single submitter. Criteria: ACMG Guidelines, 2015. Collection method: clinical testing. Allele origin: germline.
Comment: Absent from controls (or at extremely low frequency if recessive) in Genome Aggregation Database.;Null variant in a gene where loss of function (LOF) is a known mechanism of disease.;For recessive disorders, detected in trans with a pathogenic variant.

Literature cited by the submitters: PubMed 18953341 (cited by Labcorp Genetics (formerly Invitae), Labcorp); PubMed 23053991 (cited by Labcorp Genetics (formerly Invitae), Labcorp); PubMed 24926664 (cited by Labcorp Genetics (formerly Invitae), Labcorp).